The following is an entry in ClinVar:

ClinVar aggregate classification (germline): Pathogenic (1 of 4 stars; one submission).

Conditions:
Kabuki syndrome 1 (KABUK1). Also called: KMT2D-Related Kabuki Syndrome. Identifiers: Orphanet 2322, MedGen CN030661, MONDO:0007843, OMIM 147920.

Submission:

NYU Undiagnosed Diseases Program, NYU School of Medicine
Classification: Pathogenic for Kabuki syndrome 1. Review status: criteria provided, single submitter. Criteria: ACMG Guidelines, 2015. Collection method: research. Allele origin: de novo. Inheritance: Autosomal dominant inheritance. Affected: yes.
Comment: This frameshift variant is predicted to result in loss of normal protein function through premature truncation. Loss of function is a known disease mechanism for this gene. These findings support classification as Pathogenic

NM_003482.4(KMT2D):c.2434del (p.Glu812fs)

Gene: KMT2D (lysine methyltransferase 2D; minus strand). Cytogenetic location: 12q13.12.
Variant type: Deletion.
Coding change: c.2434del on transcript NM_003482.4 (MANE Select); coding-DNA position 2434, one base deleted (G; older notation c.2434delG).
Protein change: p.Glu812fs; shifts the reading frame from glutamic acid 812.
Molecular consequence: frameshift variant.
Genome position (GRCh38, 1-based): chr12:49,051,249, C deleted on the plus strand (G on the coding strand, the reverse complement: KMT2D is on the minus strand); the first of 2 consecutive C bases (chr12:49,051,249-49,051,250); deleting either gives the same sequence. VCF-style (leftmost placement, unchanged base first): chr12-49051248-TC-T. GRCh37 (hg19) VCF-style: chr12-49445031-TC-T.
Other names: short protein forms E812fs.
Identifiers: ClinVar variation 4277383 (VCV004277383.1).
Genomic context (GRCh38, chr12:49,051,248, plus strand): 5'-TGTGATTCCTCAGGTTGGGGGGACAAGCATGGCTCCTCAGGCACAGGAGACAGGTGCGGC[TC>T]CTCAGTCTGGGGGGACAGGTGCAATTCCTCAGGCTGAGGGGACAGATGTGGTCCCTCAGC-3'